The following is an entry in ClinVar:

NM_004733.4(SLC33A1):c.317A>G (p.Tyr106Cys)

Gene: SLC33A1 (solute carrier family 33 member 1; minus strand). Cytogenetic location: 3q25.31.
Variant type: single nucleotide variant.
Coding change: c.317A>G on transcript NM_004733.4 (MANE Select); coding-DNA position 317, A replaced by G.
Protein change: p.Tyr106Cys; replaces tyrosine 106 with cysteine.
Molecular consequence: missense variant.
Genome position (GRCh38, 1-based): chr3:155,853,681, T>C on the plus strand (A>G on the coding strand, the complement: SLC33A1 is on the minus strand). VCF-style: chr3-155853681-T-C. GRCh37 (hg19) VCF-style: chr3-155571470-T-C.
Other names: c.317A>G, p.Tyr106Cys (NM_001190992.2, NM_001363883.1); short protein forms Y106C.
Identifiers: ClinVar variation 1878815 (VCV001878815.1), dbSNP rs753351307, ClinGen allele CA355143888.
Genomic context (GRCh38, chr3:155,853,681, plus strand): 5'-GCCCAGAGTAATTTGAGACTGAAGGGCCAAAAGACAAAACTGAAGAAAGCTTGGTCTGTA[T>C]AGCTAACATTTTTGCTTTGCAAAATGAGTGGGATGCTTCCCGCCAAGCCCAGGGGAATAC-3'
Protein context (NP_004724.1, residues 96-116): PLILQSKNVS[Tyr106Cys]TDQAFFSFVF

ClinVar aggregate classification (germline): Uncertain significance (1 of 4 stars; one submission).

Submission:

GeneDx
Classification: Uncertain significance. Last evaluated: 2022-07-13. Review status: criteria provided, single submitter. Criteria: GeneDx Variant Classification Process June 2021. Collection method: clinical testing. Allele origin: germline. Affected: yes.
Comment: Not observed at significant frequency in large population cohorts (gnomAD); In silico analysis supports that this missense variant has a deleterious effect on protein structure/function; Has not been previously published as pathogenic or benign to our knowledge